The following is an entry in ClinVar:

ClinVar aggregate classification (germline): Uncertain significance (1 of 4 stars; one submission).

Conditions:
Cardiovascular phenotype. Identifiers: MedGen CN230736.

gnomAD v4.1: 10 of 1,614,206 alleles (0.00062%); highest among the groups gnomAD compares: Middle Eastern, 0.099%; no homozygotes.

Submission:

Ambry Genetics
Classification: Uncertain significance for Cardiovascular phenotype. Last evaluated: 2025-08-28. Review status: criteria provided, single submitter. Criteria: Ambry Variant Classification Scheme 2023. Collection method: clinical testing. Allele origin: germline.
Comment: The p.F377L variant (also known as c.1129T>C), located in coding exon 9 of the SCN10A gene, results from a T to C substitution at nucleotide position 1129. The phenylalanine at codon 377 is replaced by leucine, an amino acid with highly similar properties. This amino acid position is conserved. In addition, this alteration is predicted to be deleterious by in silico analysis. Based on the available evidence, the clinical significance of this variant remains unclear.

NM_006514.4(SCN10A):c.1129T>C (p.Phe377Leu)

Gene: SCN10A (sodium voltage-gated channel alpha subunit 10; minus strand). Cytogenetic location: 3p22.2.
Variant type: single nucleotide variant.
Coding change: c.1129T>C on transcript NM_006514.4 (MANE Select); coding-DNA position 1129, T replaced by C.
Protein change: p.Phe377Leu; replaces phenylalanine 377 with leucine.
Molecular consequence: missense variant.
Genome position (GRCh38, 1-based): chr3:38,756,835, A>G on the plus strand (T>C on the coding strand, the complement: SCN10A is on the minus strand). VCF-style: chr3-38756835-A-G. GRCh37 (hg19) VCF-style: chr3-38798326-A-G.
Other names: c.1129T>C, p.Phe377Leu (NM_001293306.2, NM_001293307.2); short protein forms F377L.
Identifiers: ClinVar variation 4160559 (VCV004160559.1).